The following is an entry in ClinVar:

NM_080916.3(DGUOK):c.313C>T (p.Arg105Ter)

Gene: DGUOK (deoxyguanosine kinase; plus strand). Cytogenetic location: 2p13.1.
Variant type: single nucleotide variant.
Coding change: c.313C>T on transcript NM_080916.3 (MANE Select); coding-DNA position 313, C replaced by T.
Protein change: p.Arg105Ter; replaces arginine 105 with a stop codon.
Molecular consequence: nonsense. On other transcripts: non-coding transcript variant (5).
Genome position (GRCh38, 1-based): chr2:73,946,776, C>T. VCF-style: chr2-73946776-C-T. GRCh37 (hg19) VCF-style: chr2-74173903-C-T.
Other names: c.313C>T, p.Arg105Ter (NM_001318859.2, NM_080918.3); c.22C>T, p.Arg8Ter (NM_001318860.2, NM_001318861.2, NM_001318862.2 and 1 more transcripts); short protein forms R105*, R8*.
Identifiers: ClinVar variation 8154 (VCV000008154.6), dbSNP rs104893630, ClinGen allele CA254326.
Genomic context (GRCh38, chr2:73,946,776, plus strand): 5'-TAGGCCTGCACTGCCCAAAGTCTTGGAAACTTGCTGGATATGATGTACCGGGAGCCAGCA[C>T]GATGGTCCTACACATTCCAGACATTTTCCTTTTTGAGCCGCCTGAAAGTACAGCTGGAGC-3'

ClinVar aggregate classification (germline): Pathogenic. Review status: criteria provided, single submitter (1 of 4 stars). 2 submissions from 2 submitters: Pathogenic (1). 1 of the submissions does not count toward it. Last evaluated 2023-08-29.

Conditions:
Mitochondrial DNA depletion syndrome 3 (hepatocerebral type). Also called: MITOCHONDRIAL DNA DEPLETION SYNDROME 3; Deoxyguanosine Kinase Deficiency; Mitochondrial DNA depletion syndrome, hepatocerebral form due to DGUOK deficiency. Identifiers: Orphanet 279934, MedGen CN074093, MONDO:0009636, OMIM 251880.

Allele frequency attached by ClinVar (database versions not stated): gnomAD exomes below 0.00001 and 0.00003.
gnomAD v4.1: 42 of 1,614,104 alleles (0.0026%); highest among the groups gnomAD compares: Non-Finnish European, 0.0034%; no homozygotes.

Submissions (2):

Labcorp Genetics (formerly Invitae), Labcorp
Classification: Pathogenic. Last evaluated: 2023-08-29. Review status: criteria provided, single submitter. Criteria: Invitae Variant Classification Sherloc (09022015). Collection method: clinical testing. Allele origin: germline.
Comment: This variant is present in population databases (rs104893630, gnomAD 0.0009%). For these reasons, this variant has been classified as Pathogenic. ClinVar contains an entry for this variant (Variation ID: 8154). This premature translational stop signal has been observed in individual(s) with mitochondrial DNA depletion syndrome (PMID: 12210798, 29137425, 30589726, 33486010). This sequence change creates a premature translational stop signal (p.Arg105*) in the DGUOK gene. It is expected to result in an absent or disrupted protein product. Loss-of-function variants in DGUOK are known to be pathogenic (PMID: 18205204).

OMIM
Classification: Pathogenic for MITOCHONDRIAL DNA DEPLETION SYNDROME 3 (HEPATOCEREBRAL TYPE). Last evaluated: 2002-08-01. Review status: no assertion criteria provided. Collection method: literature only. Allele origin: germline. Not counted in ClinVar's aggregate classification.

Literature cited by the submitters: PubMed 12210798 (cited by Labcorp Genetics (formerly Invitae), Labcorp and OMIM); PubMed 29137425 (cited by Labcorp Genetics (formerly Invitae), Labcorp); PubMed 30589726 (cited by Labcorp Genetics (formerly Invitae), Labcorp); PubMed 33486010 (cited by Labcorp Genetics (formerly Invitae), Labcorp); PubMed 18205204 (cited by Labcorp Genetics (formerly Invitae), Labcorp).